The following is an entry in ClinVar:

NM_000218.3(KCNQ1):c.1685+282C>T

Gene: KCNQ1 (potassium voltage-gated channel subfamily Q member 1; plus strand). Cytogenetic location: 11p15.5.
Variant type: single nucleotide variant.
Coding change: c.1685+282C>T on transcript NM_000218.3 (MANE Select); 282 bases into the intron after coding-DNA position 1685, C replaced by T.
Molecular consequence: intron variant.
Genome position (GRCh38, 1-based): chr11:2,776,336, C>T. VCF-style: chr11-2776336-C-T. GRCh37 (hg19) VCF-style: chr11-2797566-C-T.
Other names: c.1415+282C>T (NM_001406837.1); c.1589+282C>T (NM_001406836.1); c.1145+282C>T (NM_001406838.1); c.1304+282C>T (NM_181798.2).
Identifiers: ClinVar variation 680622 (VCV000680622.3), dbSNP rs28730759, ClinGen allele CA216320824.

ClinVar aggregate classification (germline): Benign (1 of 4 stars; one submission).

Allele frequency attached by ClinVar (database versions not stated): TOPMed 0.11826; gnomAD 0.12599 and 0.12801; 1000 Genomes Project 30x 0.13929; 1000 Genomes Project 0.14377.
gnomAD v4.1: 19,430 of 152,122 alleles (13%); highest among the groups gnomAD compares: East Asian, 29%; 1,503 homozygotes.

Submission:

GeneDx
Classification: Benign. Last evaluated: 2018-06-14. Review status: criteria provided, single submitter. Criteria: GeneDx Variant Classification (06012015). Collection method: clinical testing. Allele origin: germline. Affected: yes.
Comment: This variant is considered likely benign or benign based on one or more of the following criteria: it is a conservative change, it occurs at a poorly conserved position in the protein, it is predicted to be benign by multiple in silico algorithms, and/or has population frequency not consistent with disease.